The following is an entry in ClinVar:

ClinVar aggregate classification (germline): Likely benign (0 of 4 stars; one submission).

Conditions:
SOX8-related disorder. Also called: SOX8-related condition.

Allele frequency attached by ClinVar (database versions not stated): ExAC 0.00006; gnomAD 0.00007; ESP Exome Variant Server 0.00008; TOPMed 0.00009; 1000 Genomes Project 0.00020; 1000 Genomes Project 30x 0.00031.
gnomAD v4.1: 55 of 1,611,426 alleles (0.0034%); highest among the groups gnomAD compares: African/African-American, 0.039%; no homozygotes.

Submission:

PreventionGenetics, part of Exact Sciences
Classification: Likely benign for SOX8-related condition. Last evaluated: 2019-06-27. Review status: no assertion criteria provided. Collection method: clinical testing. Allele origin: germline.
Comment: This variant is classified as likely benign based on ACMG/AMP sequence variant interpretation guidelines (Richards et al. 2015 PMID: 25741868, with internal and published modifications).

NM_014587.5(SOX8):c.1233G>A (p.Pro411=)

Gene: SOX8 (SRY-box transcription factor 8; plus strand). Cytogenetic location: 16p13.3.
Variant type: single nucleotide variant.
Coding change: c.1233G>A on transcript NM_014587.5 (MANE Select); coding-DNA position 1233, G replaced by A.
Protein change: p.Pro411=; no amino-acid change (proline 411 retained).
Molecular consequence: synonymous variant.
Genome position (GRCh38, 1-based): chr16:985,278, G>A. VCF-style: chr16-985278-G-A. GRCh37 (hg19) VCF-style: chr16-1035278-G-A.
Identifiers: ClinVar variation 3042602 (VCV003042602.2), dbSNP rs368239054, ClinGen allele CA7798400.